The following is an entry in ClinVar:

NM_006389.5(HYOU1):c.2650C>G (p.Pro884Ala)

Gene: HYOU1 (hypoxia up-regulated 1; minus strand). Cytogenetic location: 11q23.3.
Variant type: single nucleotide variant.
Coding change: c.2650C>G on transcript NM_006389.5 (MANE Select); coding-DNA position 2650, C replaced by G.
Protein change: p.Pro884Ala; replaces proline 884 with alanine.
Molecular consequence: missense variant.
Genome position (GRCh38, 1-based): chr11:119,046,748, G>C on the plus strand (C>G on the coding strand, the complement: HYOU1 is on the minus strand). VCF-style: chr11-119046748-G-C. GRCh37 (hg19) VCF-style: chr11-118917460-G-C.
Other names: c.2650C>G, p.Pro884Ala (NM_001130991.3); c.2650C>G (NM_006389.3); short protein forms P884A.
Identifiers: ClinVar variation 1382308 (VCV001382308.7), dbSNP rs373908901, ClinGen allele CA229617065.

ClinVar aggregate classification (germline): Uncertain significance. Review status: criteria provided, multiple submitters, no conflicts (2 of 4 stars). 2 submissions from 2 submitters: Uncertain significance (2). Last evaluated 2025-06-05.

gnomAD v4.1: 76 of 1,606,226 alleles (0.0047%); highest among the groups gnomAD compares: East Asian, 0.011%; no homozygotes.

Submissions (2):

Labcorp Genetics (formerly Invitae), Labcorp
Classification: Uncertain significance. Last evaluated: 2025-06-05. Review status: criteria provided, single submitter. Criteria: Invitae Variant Classification Sherloc (09022015). Collection method: clinical testing. Allele origin: germline.
Comment: This sequence change replaces proline, which is neutral and non-polar, with alanine, which is neutral and non-polar, at codon 884 of the HYOU1 protein (p.Pro884Ala). This variant is present in population databases (rs373908901, gnomAD 0.02%). This variant has not been reported in the literature in individuals affected with HYOU1-related conditions. ClinVar contains an entry for this variant (Variation ID: 1382308). An algorithm developed to predict the effect of missense changes on protein structure and function (PolyPhen-2) suggests that this variant is likely to be disruptive. In summary, the available evidence is currently insufficient to determine the role of this variant in disease. Therefore, it has been classified as a Variant of Uncertain Significance.

Ambry Genetics
Classification: Uncertain significance. Last evaluated: 2022-12-02. Review status: criteria provided, single submitter. Criteria: Ambry Variant Classification Scheme 2023. Collection method: clinical testing. Allele origin: germline.